The following is an entry in ClinVar:

ClinVar aggregate classification (germline): Likely benign (1 of 4 stars; one submission).

gnomAD v4.1: 1 of 1,614,214 alleles (0.000062%); highest among the groups gnomAD compares: South Asian, 0.0011%; no homozygotes.

Submission:

CeGaT Center for Human Genetics Tuebingen
Classification: Likely benign. Last evaluated: 2026-02-01. Review status: criteria provided, single submitter. Criteria: CeGaT Center For Human Genetics Tuebingen Variant Classification Criteria Version 2. Collection method: clinical testing. Allele origin: germline. Affected: yes. Observed: 1 variant allele.
Comment: MTOR: BP4

NM_004958.4(MTOR):c.1569C>T (p.Asp523=)

Gene: MTOR (mechanistic target of rapamycin kinase; minus strand). Cytogenetic location: 1p36.22.
Variant type: single nucleotide variant.
Coding change: c.1569C>T on transcript NM_004958.4 (MANE Select); coding-DNA position 1569, C replaced by T.
Protein change: p.Asp523=; no amino-acid change (aspartic acid 523 retained).
Molecular consequence: synonymous variant.
Genome position (GRCh38, 1-based): chr1:11,240,520, G>A on the plus strand (C>T on the coding strand, the complement: MTOR is on the minus strand). VCF-style: chr1-11240520-G-A. GRCh37 (hg19) VCF-style: chr1-11300577-G-A.
Other names: c.1569C>T, p.Asp523= (NM_001386500.1); c.321C>T, p.Asp107= (NM_001386501.1).
Identifiers: ClinVar variation 4823410 (VCV004823410.4).
Genomic context (GRCh38, chr1:11,240,520, plus strand): 5'-CAGCATTTTCAGTAGCCCATCTTGAATGTCCTTCTTTAGCTGTGGAATCTGACGGCTCAG[G>A]TCGTAGAGCACTGCAGTGAGGGCAGGGCTGAGGGGAAGGAAACAAGTCACATAAGGGCTG-3'
Protein context (NP_004949.1, residues 513-533): LSPALTAVLY[Asp523=]LSRQIPQLKK